The following is an entry in ClinVar:

NM_024537.4(CARS2):c.634C>T (p.Pro212Ser)

Gene: CARS2 (cysteinyl-tRNA synthetase 2, mitochondrial; minus strand). Cytogenetic location: 13q34.
Variant type: single nucleotide variant.
Coding change: c.634C>T on transcript NM_024537.4 (MANE Select); coding-DNA position 634, C replaced by T.
Protein change: p.Pro212Ser; replaces proline 212 with serine.
Molecular consequence: missense variant. On other transcripts: 5 prime UTR variant (1), non-coding transcript variant (2).
Genome position (GRCh38, 1-based): chr13:110,683,072, G>A on the plus strand (C>T on the coding strand, the complement: CARS2 is on the minus strand). VCF-style: chr13-110683072-G-A. GRCh37 (hg19) VCF-style: chr13-111335419-G-A.
Other names: c.-153C>T (NM_001352252.2); c.634C>T, p.Pro212Ser (NM_001352253.3); short protein forms P212S.
Identifiers: ClinVar variation 837383 (VCV000837383.9), dbSNP rs748268508, ClinGen allele CA7052145.
Genomic context (GRCh38, chr13:110,683,072, plus strand): 5'-GAGGTCAGGGACCCACAGGGCTGAGCCCGGCCAACCCACCTGGCTCTCCGACTGGACCAG[G>A]GACCACGCCGACCAATTTGCCATACTTGTCTCCTCTAGACTTCAGATCGAAGTAGACATT-3'
Protein context (NP_078813.1, residues 202-222): DKYGKLVGVV[Pro212Ser]GPVGEPADSD

ClinVar aggregate classification (germline): Uncertain significance (1 of 4 stars; one submission).

Conditions:
Combined oxidative phosphorylation defect type 27. Also called: Combined oxidative phosphorylation deficiency 27. Identifiers: Orphanet 477774, MedGen C5567608, MONDO:0014728, OMIM 616672.

Allele frequency attached by ClinVar (database versions not stated): gnomAD 0.00001; TOPMed 0.00004; gnomAD exomes 0.00005; ExAC 0.00006.
gnomAD v4.1: 15 of 1,602,262 alleles (0.00094%); highest among the groups gnomAD compares: Admixed American, 0.026%; no homozygotes.

Submission:

Labcorp Genetics (formerly Invitae), Labcorp
Classification: Uncertain significance for Combined oxidative phosphorylation defect type 27. Last evaluated: 2025-07-14. Review status: criteria provided, single submitter. Criteria: Invitae Variant Classification Sherloc (09022015). Collection method: clinical testing. Allele origin: germline.
Comment: This sequence change replaces proline, which is neutral and non-polar, with serine, which is neutral and polar, at codon 212 of the CARS2 protein (p.Pro212Ser). This variant is present in population databases (rs748268508, gnomAD 0.04%). This variant has not been reported in the literature in individuals affected with CARS2-related conditions. ClinVar contains an entry for this variant (Variation ID: 837383). Invitae Evidence Modeling of protein sequence and biophysical properties (such as structural, functional, and spatial information, amino acid conservation, physicochemical variation, residue mobility, and thermodynamic stability) indicates that this missense variant is not expected to disrupt CARS2 protein function with a negative predictive value of 80%. In summary, the available evidence is currently insufficient to determine the role of this variant in disease. Therefore, it has been classified as a Variant of Uncertain Significance.